The following is an entry in ClinVar:

NM_000525.4(KCNJ11):c.156G>A (p.Gln52=)

Gene: KCNJ11 (potassium inwardly rectifying channel subfamily J member 11; minus strand). Cytogenetic location: 11p15.1.
Variant type: single nucleotide variant.
Coding change: c.156G>A on transcript NM_000525.4 (MANE Select); coding-DNA position 156, G replaced by A.
Protein change: p.Gln52=; no amino-acid change (glutamine 52 retained).
Molecular consequence: synonymous variant. On other transcripts: intron variant (3).
Genome position (GRCh38, 1-based): chr11:17,387,936, C>T on the plus strand (G>A on the coding strand, the complement: KCNJ11 is on the minus strand). VCF-style: chr11-17387936-C-T. GRCh37 (hg19) VCF-style: chr11-17409483-C-T.
Other names: c.-16-90G>A (NM_001166290.2, NM_001377297.1); c.-17+82G>A (NM_001377296.1).
Identifiers: ClinVar variation 877703 (VCV000877703.5), dbSNP rs1953591194, ClinGen allele CA473515967.

ClinVar aggregate classification (germline): Uncertain significance. Review status: criteria provided, multiple submitters, no conflicts (2 of 4 stars). 4 submissions from 2 submitters: Uncertain significance (4). Last evaluated 2018-03-16.

Conditions:
Hyperinsulinemic hypoglycemia, familial, 2. Also called: HYPERINSULINEMIC HYPOGLYCEMIA, PERSISTENT; HYPERINSULINISM, NEONATAL. Identifiers: Orphanet 276580, Orphanet 276603, MedGen C2931833, MONDO:0011153, OMIM 601820. Disease mechanism: loss of function.
Maturity-onset diabetes of the young type 13. Also called: MODY, TYPE 13. Identifiers: Orphanet 552, MedGen C4225365, MONDO:0014589, OMIM 616329.
Maturity-onset diabetes of the young (MODY). Also called: Maturity onset diabetes mellitus in young. Identifiers: Orphanet 552, MedGen C0342276, MONDO:0018911, HP:0004904.
Diabetes mellitus, transient neonatal, 3 (TNDM3). Identifiers: Orphanet 99886, MedGen C1864623, MONDO:0012522, OMIM 610582. Disease mechanism: loss of function.

Submissions (4):

Illumina Laboratory Services, Illumina
Classification: Uncertain significance for Hyperinsulinemic hypoglycemia, familial, 2. Last evaluated: 2018-03-16. Review status: criteria provided, single submitter. Criteria: ICSL Variant Classification Criteria 13 December 2019. Collection method: clinical testing. Allele origin: germline.

Illumina Laboratory Services, Illumina
Classification: Uncertain significance for Diabetes mellitus, transient neonatal, 3. Last evaluated: 2018-03-16. Review status: criteria provided, single submitter. Criteria: ICSL Variant Classification Criteria 13 December 2019. Collection method: clinical testing. Allele origin: germline.

Illumina Laboratory Services, Illumina
Classification: Uncertain significance for Maturity-onset diabetes of the young type 13. Last evaluated: 2018-03-16. Review status: criteria provided, single submitter. Criteria: ICSL Variant Classification Criteria 13 December 2019. Collection method: clinical testing. Allele origin: germline.

Clinical Genomics, Uppaluri K&H Personalized Medicine Clinic
Classification: Uncertain significance for Maturity-onset diabetes of the young. Review status: criteria provided, single submitter. Criteria: K&H Uppaluri Personalized Medicine Clinic Variant Classification & Assertion Criteria. Collection method: research. Allele origin: somatic. Inheritance: Autosomal dominant inheritance.
Comment: Mutations in KCNJ11 gene can cause decreased production and secretion of insulin. This can lead to MODY which may be responsive to oral sulfonylureas. It is also associated with Neonatal Diabetes. However, no sufficient evidence is found to ascertain the role of rs1953591194 variant in MODY yet.

Literature cited by the submitters: PubMed 26448950 (cited by Clinical Genomics, Uppaluri K&H Personalized Medicine Clinic); PubMed 15580558 (cited by Clinical Genomics, Uppaluri K&H Personalized Medicine Clinic); PubMed 15718250 (cited by Clinical Genomics, Uppaluri K&H Personalized Medicine Clinic); PubMed 32935446 (cited by Clinical Genomics, Uppaluri K&H Personalized Medicine Clinic); PubMed 22701567 (cited by Clinical Genomics, Uppaluri K&H Personalized Medicine Clinic).